The following is an entry in ClinVar:

NM_001110219.3(GJB6):c.476A>G (p.Asn159Ser)

Gene: GJB6 (gap junction protein beta 6; minus strand). Cytogenetic location: 13q12.11.
Variant type: single nucleotide variant.
Coding change: c.476A>G on transcript NM_001110219.3 (MANE Select); coding-DNA position 476, A replaced by G.
Protein change: p.Asn159Ser; replaces asparagine 159 with serine.
Molecular consequence: missense variant.
Genome position (GRCh38, 1-based): chr13:20,223,005, T>C on the plus strand (A>G on the coding strand, the complement: GJB6 is on the minus strand). VCF-style: chr13-20223005-T-C. GRCh37 (hg19) VCF-style: chr13-20797144-T-C.
Other names: c.476A>G, p.Asn159Ser (NM_001110220.3, NM_001110221.3, NM_001370090.1 and 3 more transcripts); short protein forms N159S.
Identifiers: ClinVar variation 45502 (VCV000045502.26), dbSNP rs35277762, ClinGen allele CA136458.
Genomic context (GRCh38, chr13:20,223,005, plus strand): 5'-TCAACAAGGTTGGGGCAGGGGTCAATCCCACATTTCAACACCCAGGGCAGGTGGTACCCA[T>C]TGTAAAGGAAGTAAAACACATACATAAAGGCTGCTTCAAAGATGATTCGGAAAAAGATGC-3'
Protein context (NP_001103689.1, residues 149-169): AFMYVFYFLY[Asn159Ser]GYHLPWVLKC

ClinVar aggregate classification (germline): Benign/Likely benign. Review status: criteria provided, multiple submitters, no conflicts (2 of 4 stars). 8 submissions from 8 submitters: Benign (3); Likely benign (4). 1 of the submissions does not count toward it. Last evaluated 2025-10-22.

Conditions:
GJB6-related disorder. Also called: GJB6-related disorders.
Autosomal dominant nonsyndromic hearing loss 3B. Identifiers: Orphanet 90635, MedGen C2675237, MONDO:0012975, OMIM 612643.
Autosomal recessive nonsyndromic hearing loss 1A (DFNB1A). Also called: GJB6-Related DFNB 1 Nonsyndromic Hearing Loss and Deafness; Deafness, autosomal recessive 1A; Nonsyndromic Hearing Loss and Deafness, DFNB1; GJB2-Related Autosomal Recessive Nonsyndromic Hearing Loss; Connexin 26 deafness; Deafness nonsyndromic, Connexin 26 linked. Identifiers: Orphanet 90636, MedGen C2673759, MONDO:0009076, OMIM 220290.
Hidrotic ectodermal dysplasia syndrome (GJB6). Also called: Ectodermal dysplasia 2, hidrotic; Autosomal dominant hidrotic ectodermal dysplasia; Clouston syndrome; Clouston's hidrotic ectodermal dysplasia; Hidrotic ectodermal dysplasia; CLOUSTON HIDROTIC ECTODERMAL DYSPLASIA. Identifiers: Orphanet 189, MedGen C0162361, MONDO:0007510, OMIM 129500.
Autosomal recessive nonsyndromic hearing loss 1B. Also called: DEAFNESS, AUTOSOMAL RECESSIVE 1B. Identifiers: Orphanet 90636, MedGen C2675235, MONDO:0012977, OMIM 612645.

Allele frequency attached by ClinVar (database versions not stated): gnomAD exomes 0.00018 and 0.00054; ExAC 0.00069; gnomAD 0.00217 and 0.00237; 1000 Genomes Project 30x 0.00219; 1000 Genomes Project 0.00220; TOPMed 0.00223; ESP Exome Variant Server 0.00246.
gnomAD v4.1: 608 of 1,614,126 alleles (0.038%); highest among the groups gnomAD compares: African/African-American, 0.71%; 4 homozygotes.

Submissions (8):

Labcorp Genetics (formerly Invitae), Labcorp
Classification: Likely benign for Autosomal dominant nonsyndromic hearing loss 3B; Hidrotic ectodermal dysplasia syndrome; Autosomal recessive nonsyndromic hearing loss 1B; Autosomal recessive nonsyndromic hearing loss 1A. Last evaluated: 2025-10-22. Review status: criteria provided, single submitter. Criteria: Invitae Variant Classification Sherloc (09022015). Collection method: clinical testing. Allele origin: germline.

Blueprint Genetics
Classification: Likely benign. Last evaluated: 2024-04-11. Review status: criteria provided, single submitter. Criteria: ACMG Guidelines, 2015. Collection method: clinical testing. Allele origin: germline.

GeneDx
Classification: Benign. Last evaluated: 2021-08-10. Review status: criteria provided, single submitter. Criteria: GeneDx Variant Classification Process June 2021. Collection method: clinical testing. Allele origin: germline. Affected: yes.
Comment: Has not been previously published as pathogenic or benign to our knowledge; In-silico analysis, which includes splice predictors and evolutionary conservation, is inconclusive as to whether the variant alters gene splicing. In the absence of RNA/functional studies, the actual effect of this sequence change is unknown.; Observed in 205/282878 (0.0725%) alleles in large population cohorts (Lek et al., 2016); In-silico analysis, which includes splice predictors and evolutionary conservation, is inconclusive as to whether the variant alters gene splicing. In the absence of RNA/functional studies, the actual effect of this sequence change is unknown.

Illumina Laboratory Services, Illumina
Classification: Benign for Hidrotic ectodermal dysplasia syndrome. Last evaluated: 2017-04-27. Review status: criteria provided, single submitter. Criteria: ICSL Variant Classification Criteria 13 December 2019. Collection method: clinical testing. Allele origin: germline.
Comment: This variant was observed as part of a predisposition screen in an ostensibly healthy population. A literature search was performed for the gene, cDNA change, and amino acid change (where applicable). No publications were found based on this search. Allele frequency data from public databases was too high to be consistent with this variant causing disease. Therefore, this variant is classified as benign.

Eurofins Ntd Llc (ga)
Classification: Likely benign. Last evaluated: 2016-06-07. Review status: criteria provided, single submitter. Criteria: EGL Classification Definitions 2015. Collection method: clinical testing. Allele origin: germline. Observed: 1 variant allele, 1 heterozygote.

Laboratory for Molecular Medicine, Mass General Brigham Personalized Medicine
Classification: Benign. Last evaluated: 2011-11-07. Review status: criteria provided, single submitter. Criteria: LMM Criteria. Collection method: clinical testing. Allele origin: germline. Observed: 5 variant alleles.
Comment: Asn159Ser in exon 3 of GJB6: This variant is not expected to have clinical signi ficance because it has been identified in 0.6% (36/5297) of a broad population ( dbSNP rs35277762).

Breakthrough Genomics
Classification: Likely benign. Review status: criteria provided, single submitter. Criteria: ACMG Guidelines, 2015. Collection method: not provided. Allele origin: germline. Inheritance: Autosomal recessive inheritance. Affected: yes.

PreventionGenetics, part of Exact Sciences
Classification: Benign for GJB6-related condition. Last evaluated: 2019-11-06. Review status: no assertion criteria provided. Collection method: clinical testing. Allele origin: germline. Not counted in ClinVar's aggregate classification.
Comment: This variant is classified as benign based on ACMG/AMP sequence variant interpretation guidelines (Richards et al. 2015 PMID: 25741868, with internal and published modifications).